The following is an entry in ClinVar:

ClinVar aggregate classification (germline): Uncertain significance (1 of 4 stars; one submission).

Conditions:
Hereditary cancer-predisposing syndrome. Also called: Neoplastic Syndromes, Hereditary; Tumor predisposition; Hereditary neoplastic syndrome; Hereditary Cancer Syndrome. Identifiers: Orphanet 140162, MedGen C0027672, MeSH D009386, MONDO:0015356.

Submission:

Ambry Genetics
Classification: Uncertain significance for Hereditary cancer-predisposing syndrome. Last evaluated: 2026-08-28. Review status: criteria provided, single submitter. Criteria: Ambry Variant Classification Scheme 2023. Collection method: clinical testing. Allele origin: germline.
Comment: The c.5390_5410dup21 variant (also known as p.I1797_F1803dup), located in coding exon 41 of the TSC2 gene, results from an in-frame duplication of 21 nucleotides at nucleotide positions 5390 to 5410. This results in the duplication of 7 extra residues (ISSVEDF) between codons 1797 and 1803. This amino acid region is well conserved in available vertebrate species. In addition, this variant is predicted to be deleterious by in silico analysis (Choi Y et al. PLoS ONE. 2012; 7(10):e46688). Based on the available evidence, the clinical significance of this variant remains unclear.

NM_000548.5(TSC2):c.5390_5410dup (p.Phe1803_Thr1804insIleSerSerValGluAspPhe)

Gene: TSC2 (TSC complex subunit 2; plus strand). Cytogenetic location: 16p13.3.
Variant type: Duplication.
Coding change: c.5390_5410dup on transcript NM_000548.5 (MANE Select); coding-DNA positions 5390 to 5410, 21 bases duplicated (TCTCCTCGGTGGAGGACTTCA).
Protein change: p.Phe1803_Thr1804insIleSerSerValGluAspPhe.
Molecular consequence: inframe indel (on NM_000548.3). On other transcripts: non-coding transcript variant (5).
Genome position (GRCh38, 1-based): chr16:2,088,576-2,088,596, TCTCCTCGGTGGAGGACTTCA duplicated; duplicating any 21 consecutive bases within chr16:2,088,573-2,088,596 gives the same sequence; the c. name uses the placement nearest the transcript's 3' end. VCF-style (leftmost placement, unchanged base first): chr16-2088572-C-CTCATCTCCTCGGTGGAGGACT. GRCh37 (hg19) VCF-style: chr16-2138573-C-CTCATCTCCTCGGTGGAGGACT.
Other names: c.5390_5410dupTCTCCTCGGTGGAGGACTTCA (NM_000548.3); c.5222_5242dup, p.Phe1747_Thr1748insIleSerSerValGluAspPhe (NM_001318832.2); c.5192_5212dup, p.Phe1737_Thr1738insIleSerSerValGluAspPhe (NM_001363528.2); c.5258_5278dup, p.Phe1759_Thr1760insIleSerSerValGluAspPhe (NM_001370404.1); c.5249_5269dup, p.Phe1756_Thr1757insIleSerSerValGluAspPhe (NM_001370405.1); c.5387_5407dup, p.Phe1802_Thr1803insIleSerSerValGluAspPhe (NM_001406663.1); c.5318_5338dup, p.Phe1779_Thr1780insIleSerSerValGluAspPhe (NM_001406664.1); c.5189_5209dup, p.Phe1736_Thr1737insIleSerSerValGluAspPhe (NM_001077183.3); and 28 more.
Identifiers: ClinVar variation 5031390 (VCV005031390.1).